The following is an entry in ClinVar:

ClinVar aggregate classification (germline): Benign/Likely benign. Review status: criteria provided, multiple submitters, no conflicts (2 of 4 stars). 6 submissions from 6 submitters: Benign (4); Likely benign (1). 1 of the submissions does not count toward it. Last evaluated 2024-01-24.

Conditions:
PGM1-congenital disorder of glycosylation. Also called: CDG It; Congenital disorder of glycosylation type 1t; PHOSPHOGLUCOMUTASE 1 DEFICIENCY; PGM1 DEFICIENCY; GLYCOGEN STORAGE DISEASE XIV; GSD XIV. Identifiers: Orphanet 319646, MedGen C2752015, MONDO:0013968, OMIM 614921.

Allele frequency attached by ClinVar (database versions not stated): ESP Exome Variant Server 0.14993; gnomAD 0.17190 and 0.17388; TOPMed 0.17197; 1000 Genomes Project 30x 0.18114; 1000 Genomes Project 0.18450; ExAC 0.19889; gnomAD exomes 0.20563.
gnomAD v4.1: 299,343 of 1,561,276 alleles (19%); highest among the groups gnomAD compares: Admixed American, 31%; 30,077 homozygotes.

Submissions (6):

Unidad de Genómica Garrahan, Hospital de Pediatría Garrahan
Classification: Benign. Last evaluated: 2024-01-24. Review status: criteria provided, single submitter. Criteria: ACMG Guidelines, 2015. Collection method: clinical testing. Allele origin: germline. Affected: no. Observed: 51 variant alleles.
Comment: This variant is classified as Benign based on local population frequency. This variant was detected in 54% of patients studied by a panel of primary immunodeficiencies. Number of patients: 51. Only high quality variants are reported.

Genome-Nilou Lab
Classification: Benign for PGM1-congenital disorder of glycosylation. Last evaluated: 2021-09-05. Review status: criteria provided, single submitter. Criteria: ACMG Guidelines, 2015. Collection method: clinical testing. Allele origin: germline. Affected: no.

GeneDx
Classification: Benign. Last evaluated: 2018-06-14. Review status: criteria provided, single submitter. Criteria: GeneDx Variant Classification Process June 2021. Collection method: clinical testing. Allele origin: germline. Affected: yes.

Illumina Laboratory Services, Illumina
Classification: Benign for PGM1-congenital disorder of glycosylation. Last evaluated: 2018-01-13. Review status: criteria provided, single submitter. Criteria: ICSL Variant Classification Criteria 13 December 2019. Collection method: clinical testing. Allele origin: germline.
Comment: This variant was observed in the ICSL laboratory as part of a predisposition screen in an ostensibly healthy population. It had not been previously curated by ICSL or reported in the Human Gene Mutation Database (HGMD: prior to June 1st, 2018), and was therefore a candidate for classification through an automated scoring system. Utilizing variant allele frequency, disease prevalence and penetrance estimates, and inheritance mode, an automated score was calculated to assess if this variant is too frequent to cause the disease. Based on the score and internal cut-off values, a variant classified as benign is not then subjected to further curation. The score for this variant resulted in a classification of benign for this disease.

Breakthrough Genomics
Classification: Likely benign. Review status: criteria provided, single submitter. Criteria: ACMG Guidelines, 2015. Collection method: not provided. Allele origin: germline. Inheritance: Autosomal recessive inheritance. Affected: yes.

Mayo Clinic Laboratories, Mayo Clinic
Classification: Benign. Last evaluated: 2015-10-23. Review status: no assertion criteria provided. Collection method: clinical testing. Allele origin: unknown. Not counted in ClinVar's aggregate classification.

NM_002633.3(PGM1):c.*22C>T

Gene: PGM1 (phosphoglucomutase 1; plus strand). Cytogenetic location: 1p31.3.
Variant type: single nucleotide variant.
Coding change: c.*22C>T on transcript NM_002633.3 (MANE Select); 22 bases downstream of the stop codon, C replaced by T.
Molecular consequence: 3 prime UTR variant.
Genome position (GRCh38, 1-based): chr1:63,659,697, C>T. VCF-style: chr1-63659697-C-T. GRCh37 (hg19) VCF-style: chr1-64125368-C-T.
Other names: c.*22C>T (NM_001172818.1, NM_001172819.2).
Identifiers: ClinVar variation 297894 (VCV000297894.16), dbSNP rs8294, ClinGen allele CA889957.